The following is an entry in ClinVar:

NM_015166.4(MLC1):c.135dup (p.Cys46fs)

Gene: MLC1 (modulator of VRAC current 1; minus strand). Cytogenetic location: 22q13.33.
Variant type: Duplication.
Coding change: c.135dup on transcript NM_015166.4 (MANE Select); coding-DNA position 135, one base duplicated (C; older notation c.135dupC).
Protein change: p.Cys46fs; shifts the reading frame from cysteine 46.
Molecular consequence: frameshift variant. On other transcripts: non-coding transcript variant (3), intron variant (1).
Genome position (GRCh38, 1-based): chr22:50,084,768, G duplicated on the plus strand (C on the coding strand, the reverse complement: MLC1 is on the minus strand); the first of 6 consecutive G bases (chr22:50,084,768-50,084,773); duplicating any one gives the same sequence. VCF-style (leftmost placement, unchanged base first): chr22-50084767-A-AG. GRCh37 (hg19) VCF-style: chr22-50523196-A-AG.
Other names: c.135dupC (NM_015166.3, NM_015166.4, NM_139202.3); c.135dup, p.Cys46fs (NM_001376472.1, NM_001376473.1, NM_001376474.1 and 10 more transcripts); c.-59+587dup (NM_001376484.1); short protein forms C46fs.
Identifiers: ClinVar variation 4722 (VCV000004722.31), dbSNP rs80358241, ClinGen allele CA340285.

ClinVar aggregate classification (germline): Pathogenic. Review status: criteria provided, multiple submitters, no conflicts (2 of 4 stars). 12 submissions from 12 submitters: Pathogenic (10). 2 of the submissions do not count toward it. Last evaluated 2026-01-27.

Conditions:
Megalencephalic leukoencephalopathy with subcortical cysts. Also called: VAN DER KNAAP DISEASE. Identifiers: Orphanet 2478, MedGen C1858854, MONDO:0011391.
Megalencephalic leukoencephalopathy with subcortical cysts 1 (MLC1). Also called: VACUOLATING MEGALENCEPHALIC LEUKOENCEPHALOPATHY WITH SUBCORTICAL CYSTS; LEUKOENCEPHALOPATHY WITH SWELLING AND CYSTS. Identifiers: Orphanet 2478, MedGen C5779875, MONDO:0024555, OMIM 604004.

Submissions (12):

Natera, Inc.
Classification: Pathogenic for Megalencephalic leukoencephalopathy with subcortical cysts. Last evaluated: 2026-01-27. Review status: criteria provided, single submitter. Criteria: Natera Variant Classification Schema (03/2026). Collection method: clinical testing. Allele origin: germline.
Comment: The c.135dupC variant in MLC1 is a frameshift variant predicted to shift the reading frame beginning at codon 46 and leads to a stop codon 34 codons downstream. This variant is expected to result in nonsense mediated decay, truncation, or a dysfunctional protein product. This variant is rare in the general population with a frequency below the threshold expected for the associated phenotype(s). This variant has been observed in one or more individuals affected with the associated recessive disease, as either homozygous or compound heterozygous with a second variant (PMID: 11935341, 22737209, 21555057). Given the available evidence, this variant is classified as Pathogenic.

Genomic Medicine Center of Excellence, King Faisal Specialist Hospital and Research Centre
Classification: Pathogenic for Megalencephalic leukoencephalopathy with subcortical cysts 1. Last evaluated: 2025-09-10. Review status: criteria provided, single submitter. Criteria: ACMG Guidelines, 2015. Collection method: clinical testing. Allele origin: germline.

Labcorp Genetics (formerly Invitae), Labcorp
Classification: Pathogenic. Last evaluated: 2025-07-24. Review status: criteria provided, single submitter. Criteria: Invitae Variant Classification Sherloc (09022015). Collection method: clinical testing. Allele origin: germline.
Comment: This sequence change creates a premature translational stop signal (p.Cys46Leufs*34) in the MLC1 gene. It is expected to result in an absent or disrupted protein product. Loss-of-function variants in MLC1 are known to be pathogenic (PMID: 11254442, 16470554, 24824219). This variant is present in population databases (rs80358241, gnomAD 0.02%). This premature translational stop signal has been observed in individuals with megalencephalic leukoencephalopathy (PMID: 11935341, 12189496, 21555057). ClinVar contains an entry for this variant (Variation ID: 4722). For these reasons, this variant has been classified as Pathogenic.

First Genomix Gene Laboratory, Genetic Diagnostics Department
Classification: Pathogenic for Megalencephalic leukoencephalopathy with subcortical cysts 1. Last evaluated: 2025-03-25. Review status: criteria provided, single submitter. Criteria: ACMG Guidelines, 2015. Collection method: clinical testing. Allele origin: germline. Inheritance: Autosomal recessive inheritance. Affected: no. Observed: 1 variant allele.

Fulgent Genetics
Classification: Pathogenic for Megalencephalic leukoencephalopathy with subcortical cysts 1. Last evaluated: 2024-01-24. Review status: criteria provided, single submitter. Criteria: ACMG Guidelines, 2015. Collection method: clinical testing. Allele origin: germline.

Revvity Omics, Revvity
Classification: Pathogenic for Megalencephalic leukoencephalopathy with subcortical cysts 1. Last evaluated: 2023-02-17. Review status: criteria provided, single submitter. Criteria: ACMG Guidelines, 2015. Collection method: clinical testing. Allele origin: germline.

Myriad Genetics, Inc.
Classification: Pathogenic for Megalencephalic leukoencephalopathy with subcortical cysts 1. Last evaluated: 2019-12-13. Review status: criteria provided, single submitter. Criteria: Myriad Women's Health Autosomal Recessive and X-Linked Classification Criteria (2019). Collection method: clinical testing. Allele origin: unknown.
Comment: NM_015166.3(MLC1):c.135dupC(aka C46Lfs*34) is classified as pathogenic in the context of megalencephalic leukoencephalopathy with subcortical cysts. Sources cited for classification include the following: PMID 15037685, 14572144, 22006981, 12189496 and 11935341. Classification of NM_015166.3(MLC1):c.135dupC(aka C46Lfs*34) is based on the following criteria: The variant causes a premature termination codon that is expected to be targeted by nonsense-mediated mRNA decay and is reported in individuals with the relevant phenotype. Please note: this variant was assessed in the context of healthy population screening.

GeneDx
Classification: Pathogenic. Last evaluated: 2018-01-05. Review status: criteria provided, single submitter. Criteria: GeneDx Variant Classification (06012015). Collection method: clinical testing. Allele origin: germline. Affected: yes.
Comment: The c.135dupC variant in the MLC1 gene has been reported in the homozygous state in several unrelated patients with MLC (Leegwater et al., 2002; Ben-Zeev et al., 2002; Ridder et al., 2011; Saini et al., 2015). The c.135dupC variant causes a frameshift starting with codon Cysteine 46, changes this amino acid to a Leucine residue, and creates a premature Stop codon at position 34 of the new reading frame, denoted p.Cys46LeufsX34. This variant is predicted to cause loss of normal protein function either through protein truncation or nonsense-mediated mRNA decay. The c.135dupC variant is observed in 7/245210 (0.003%) alleles in large population cohorts We interpret c.135dupC as a pathogenic variant.

Kasturba Medical College, Manipal, Kasturba Medical College, Manipal, Manipal Academy of Higher Education, Manipal, India
Classification: Pathogenic for Megalencephalic leukoencephalopathy with subcortical cysts 1. Review status: criteria provided, single submitter. Criteria: ACMG Guidelines, 2015. Collection method: clinical testing. Allele origin: inherited. Inheritance: Autosomal recessive inheritance. Affected: yes.

Lifecell International Pvt. Ltd
Classification: Pathogenic for Megalencephalic leukoencephalopathy with subcortical cysts 1. Review status: criteria provided, single submitter. Criteria: ACMG Guidelines, 2015. Collection method: clinical testing. Allele origin: germline. Inheritance: Autosomal recessive inheritance. Affected: yes. Observed: 1 homozygote.
Comment: A Homozygote Frameshift variant c.135dupC in Exon 2 of the MLC1 gene that results in the amino acid substitution p.Cys46fs*34 was identified. The observed variant has a minor allele frequency of 0.00003% in gnomAD exomes and and novel in 1KG, respectively. The severity of the impact of this variant on the protein is high, based on the effect of the protein and REVEL score . Rare Exome Variant Ensemble Learner (REVEL) is an ensembl method for predicting the pathogenicity of missense variants based on a combination of scores from 13 individual tools: MutPred, FATHMM v2.3, VEST 3.0, PolyPhen-2, SIFT, PROVEAN, MutationAssessor, MutationTaster, LRT, GERP++, SiPhy, phyloP, and phastCons. The REVEL score for an individual missense variant can range from 0 to 1, with higher scores reflecting greater likelihood that the variant is disease- causing. ClinVar has also classified this variant as Pathogenic [Variation ID: 4722]. The observed variation has been previously reported in individuals with megalencephalic leukoencephalopathy (Shukla P, et.al., 2011). For these reasons, this variant has been classified as Pathogenic.

OMIM
Classification: Pathogenic for MEGALENCEPHALIC LEUKOENCEPHALOPATHY WITH SUBCORTICAL CYSTS 1. Last evaluated: 2002-08-01. Review status: no assertion criteria provided. Collection method: literature only. Allele origin: germline. Not counted in ClinVar's aggregate classification.

GeneReviews
No classification provided. Condition: Megalencephalic leukoencephalopathy with subcortical cysts 1. Review status: no classification provided. Collection method: literature only. Allele origin: germline. Not counted in ClinVar's aggregate classification.

Literature cited by the submitters: PubMed 11935341 (cited by 5 submitters); PubMed 22737209 (cited by Natera, Inc.); PubMed 21555057 (cited by 3 submitters); PubMed 11254442 (cited by Labcorp Genetics (formerly Invitae), Labcorp); PubMed 16470554 (cited by Labcorp Genetics (formerly Invitae), Labcorp); PubMed 24824219 (cited by Labcorp Genetics (formerly Invitae), Labcorp); PubMed 12189496 (cited by 3 submitters); PubMed 15037685 (cited by Myriad Genetics, Inc. and GeneReviews); PubMed 14572144 (cited by Myriad Genetics, Inc. and GeneReviews); PubMed 22006981 (cited by Myriad Genetics, Inc.); NCBI Bookshelf NBK1535 (cited by GeneReviews).